The following is an entry in ClinVar:

NM_000219.6(KCNE1):c.279C>T (p.Ala93=)

Gene: KCNE1 (potassium voltage-gated channel subfamily E regulatory subunit 1; minus strand). Cytogenetic location: 21q22.12.
Variant type: single nucleotide variant.
Coding change: c.279C>T on transcript NM_000219.6 (MANE Select); coding-DNA position 279, C replaced by T.
Protein change: p.Ala93=; no amino-acid change (alanine 93 retained).
Molecular consequence: synonymous variant.
Genome position (GRCh38, 1-based): chr21:34,449,356, G>A on the plus strand (C>T on the coding strand, the complement: KCNE1 is on the minus strand). VCF-style: chr21-34449356-G-A. GRCh37 (hg19) VCF-style: chr21-35821654-G-A.
Other names: c.279C>T, p.Ala93= (NM_001127668.4, NM_001127669.4, NM_001127670.4 and 4 more transcripts).
Identifiers: ClinVar variation 3374518 (VCV003374518.2).
Genomic context (GRCh38, chr21:34,449,356, plus strand): 5'-CAGATGGTTTTCAACGACATAGCACGACCTGTAGCTCTCCAGGACCCGGGCCTGGACATA[G>A]GCCTTGTCCTTCTCTTGCCAGGCATCGGACTCGATGTAGACGTTGAATGGGTCGTTCGAG-3'
Protein context (NP_000210.2, residues 83-103): ESDAWQEKDK[Ala93=]YVQARVLESY

Conditions:
Long QT syndrome 5 (LQT5). Identifiers: Orphanet 101016, Orphanet 768, MedGen C1867904, MONDO:0013372, OMIM 613695.

Submission:

Roden Lab, Vanderbilt University Medical Center
No classification provided (evidence only). Condition: Long QT syndrome 5. Review status: no classification provided. Collection method: in vitro. Allele origin: not applicable. Functional consequence: Effect on ion channel function.
ClinVar note: "not provided" was previously submitted as the classification for the variant. However, the classification appeared to be based only on an observation of functional data so it was converted to no classification on 2025-07-30.